The following is an entry in ClinVar:

ClinVar aggregate classification (germline): Likely pathogenic. Review status: criteria provided, multiple submitters, no conflicts (2 of 4 stars). 2 submissions from 2 submitters: Likely pathogenic (2). Last evaluated 2025-08-22.

Conditions:
Deficiency of steroid 11-beta-monooxygenase (CYP11B1). Also called: ADRENAL HYPERPLASIA IV; ADRENAL HYPERPLASIA, CONGENITAL, DUE TO STEROID 11-BETA-HYDROXYLASE DEFICIENCY; 11-BETA-HYDROXYLASE DEFICIENCY; P450C11B1 DEFICIENCY; STEROID 11-BETA-HYDROXYLASE DEFICIENCY; Congenital adrenal hyperplasia due to 11-beta-hydroxylase deficiency. Identifiers: Orphanet 90795, MedGen C0268292, MONDO:0008729, OMIM 202010. Disease mechanism: loss of function.

Submissions (2):

First Genomix Gene Laboratory, Genetic Diagnostics Department
Classification: Likely pathogenic for Deficiency of steroid 11-beta-monooxygenase. Last evaluated: 2025-08-22. Review status: criteria provided, single submitter. Criteria: ACMG Guidelines, 2015. Collection method: clinical testing. Allele origin: germline. Inheritance: Autosomal recessive inheritance. Affected: no. Observed: 1 variant allele.

Myriad Genetics, Inc.
Classification: Likely pathogenic for Deficiency of steroid 11-beta-monooxygenase. Last evaluated: 2022-02-25. Review status: criteria provided, single submitter. Criteria: Myriad Women's Health Autosomal Recessive and X-Linked Classification Criteria (2021). Collection method: clinical testing. Allele origin: unknown.
Comment: NM_000497.3(CYP11B1):c.814C>T(Q272*) is expected to be pathogenic in the context of congenital adrenal hyperplasia, CYP11B1-related. This variant is predicted to lead to an abnormal or absent protein product due to the creation of a premature termination codon in CYP11B1, a gene where loss-of-function variants are known to be pathogenic. Please note: this variant was assessed in the context of healthy population screening.

NM_000497.4(CYP11B1):c.814C>T (p.Gln272Ter)

Genes: CYP11B1 (cytochrome P450 family 11 subfamily B member 1; minus strand), LOC106799833 (CYP11B1 recombination region; plus strand). Cytogenetic location: 8q24.3.
Variant type: single nucleotide variant.
Coding change: c.814C>T on transcript NM_000497.4 (MANE Select); coding-DNA position 814, C replaced by T.
Protein change: p.Gln272Ter; replaces glutamine 272 with a stop codon.
Molecular consequence: nonsense.
Genome position (GRCh38, 1-based): chr8:142,876,381, G>A on the plus strand (C>T on the coding strand, the complement: CYP11B1 is on the minus strand). VCF-style: chr8-142876381-G-A. GRCh37 (hg19) VCF-style: chr8-143957797-G-A.
Other names: c.814C>T, p.Gln272Ter (NM_001026213.1); short protein forms Q272*.
Identifiers: ClinVar variation 1724743 (VCV001724743.2), dbSNP rs1360208732, ClinGen allele CA372395327.
Genomic context (GRCh38, chr8:142,876,381, plus strand): 5'-CCGCCACGATGCTGGTGTACTGTTGAGGGCGGCTGAAGGCCAGTTCCTGATAGATTTTCT[G>A]GATACAGTTGTCGCCTATCCGGGGAGCGGGAGGCAGCCCTCAGACTTTGGTGCTGGGAGA-3'